The following is an entry in ClinVar:

ClinVar aggregate classification (germline): Likely pathogenic (1 of 4 stars; one submission).

Conditions:
Congenital myasthenic syndrome 2A. Also called: Myasthenic syndrome, congenital, 2a, slow-channel. Identifiers: Orphanet 590, MedGen C4225374, MONDO:0014581, OMIM 616313.

Submission:

Labcorp Genetics (formerly Invitae), Labcorp
Classification: Likely pathogenic for Congenital myasthenic syndrome 2A. Last evaluated: 2021-02-09. Review status: criteria provided, single submitter. Criteria: Invitae Variant Classification Sherloc (09022015). Collection method: clinical testing. Allele origin: germline.
Comment: This variant disrupts the p.Leu285 (also known as p.Leu263) amino acid residue in CHRNB1. Other variant(s) that disrupt this residue have been determined to be pathogenic (PMID: 8651643). This suggests that this residue is clinically significant, and that variants that disrupt this residue are likely to be disease-causing. Advanced modeling of protein sequence and biophysical properties (such as structural, functional, and spatial information, amino acid conservation, physicochemical variation, residue mobility, and thermodynamic stability) performed at Invitae indicates that this missense variant is expected to disrupt CHRNB1 protein function. This variant has not been reported in the literature in individuals with CHRNB1-related conditions. This variant is not present in population databases (ExAC no frequency). This sequence change replaces leucine with proline at codon 285 of the CHRNB1 protein (p.Leu285Pro). The leucine residue is moderately conserved and there is a moderate physicochemical difference between leucine and proline. In summary, the currently available evidence indicates that the variant is pathogenic, but additional data are needed to prove that conclusively. Therefore, this variant has been classified as Likely Pathogenic.

Literature cited by the submitters: PubMed 8651643.

NM_000747.3(CHRNB1):c.854T>C (p.Leu285Pro)

Gene: CHRNB1 (cholinergic receptor nicotinic beta 1 subunit; plus strand). Cytogenetic location: 17p13.1.
Variant type: single nucleotide variant.
Coding change: c.854T>C on transcript NM_000747.3 (MANE Select); coding-DNA position 854, T replaced by C.
Protein change: p.Leu285Pro; replaces leucine 285 with proline.
Molecular consequence: missense variant.
Genome position (GRCh38, 1-based): chr17:7,454,330, T>C. VCF-style: chr17-7454330-T-C. GRCh37 (hg19) VCF-style: chr17-7357649-T-C.
Other names: short protein forms L285P.
Identifiers: ClinVar variation 1349189 (VCV001349189.8), dbSNP rs2150842362, ClinGen allele CA397797290.